The following is an entry in ClinVar:

NM_000038.6(APC):c.8C>G (p.Ala3Gly)

Gene: APC (APC regulator of Wnt signaling pathway; plus strand). Cytogenetic location: 5q22.2.
Variant type: single nucleotide variant.
Coding change: c.8C>G on transcript NM_000038.6 (MANE Select); coding-DNA position 8, C replaced by G.
Protein change: p.Ala3Gly; replaces alanine 3 with glycine.
Molecular consequence: missense variant. On other transcripts: 5 prime UTR variant (4), non-coding transcript variant (2), intron variant (11).
Genome position (GRCh38, 1-based): chr5:112,754,898, C>G. VCF-style: chr5-112754898-C-G. GRCh37 (hg19) VCF-style: chr5-112090595-C-G.
Other names: c.8C>G, p.Ala3Gly (NM_001127510.3, NM_001354895.2, NM_001354896.2 and 16 more transcripts); c.-1028C>G (NM_001354906.2, NM_001407470.1, NM_001407471.1 and 1 more transcripts); c.166-11428C>G (NM_001407446.1, NM_001354897.2, NM_001354902.2 and 1 more transcripts); c.-42-11428C>G (NM_001407453.1, NM_001354900.2, NM_001354901.2 and 1 more transcripts); c.61-11428C>G (NM_001407451.1, NM_001354898.2, NM_001354904.2); short protein forms A3G.
Identifiers: ClinVar variation 4801428 (VCV004801428.1).

ClinVar aggregate classification (germline): Uncertain significance (1 of 4 stars; one submission).

Conditions:
Familial adenomatous polyposis 1 (FAP1). Also called: FAMILIAL ADENOMATOUS POLYPOSIS 1, ATTENUATED; POLYPOSIS, ADENOMATOUS INTESTINAL. Identifiers: MedGen C2713442, MONDO:0021056, OMIM 175100. Disease mechanism: loss of function.

Submission:

Labcorp Genetics (formerly Invitae), Labcorp
Classification: Uncertain significance for Familial adenomatous polyposis 1. Last evaluated: 2025-03-12. Review status: criteria provided, single submitter. Criteria: Invitae Variant Classification Sherloc (09022015). Collection method: clinical testing. Allele origin: germline.
Comment: This sequence change replaces alanine, which is neutral and non-polar, with glycine, which is neutral and non-polar, at codon 3 of the APC protein (p.Ala3Gly). This variant is not present in population databases (gnomAD no frequency). This variant has not been reported in the literature in individuals affected with APC-related conditions. Invitae Evidence Modeling of protein sequence and biophysical properties (such as structural, functional, and spatial information, amino acid conservation, physicochemical variation, residue mobility, and thermodynamic stability) indicates that this missense variant is not expected to disrupt APC protein function with a negative predictive value of 95%. In summary, the available evidence is currently insufficient to determine the role of this variant in disease. Therefore, it has been classified as a Variant of Uncertain Significance.